The following is an entry in ClinVar:

NM_014714.4(IFT140):c.3313C>T (p.Gln1105Ter)

Gene: IFT140 (intraflagellar transport 140; minus strand). Cytogenetic location: 16p13.3.
Variant type: single nucleotide variant.
Coding change: c.3313C>T on transcript NM_014714.4 (MANE Select); coding-DNA position 3313, C replaced by T.
Protein change: p.Gln1105Ter; replaces glutamine 1105 with a stop codon.
Molecular consequence: nonsense.
Genome position (GRCh38, 1-based): chr16:1,523,658, G>A on the plus strand (C>T on the coding strand, the complement: IFT140 is on the minus strand). VCF-style: chr16-1523658-G-A. GRCh37 (hg19) VCF-style: chr16-1573659-G-A.
Other names: short protein forms Q1105*.
Identifiers: ClinVar variation 2003276 (VCV002003276.4), dbSNP rs2506102659, ClinGen allele CA394225434.

ClinVar aggregate classification (germline): Pathogenic (1 of 4 stars; one submission).

Conditions:
Saldino-Mainzer syndrome (SRTD9). Also called: CONORENAL SYNDROME; Renal dysplasia, retinal pigmentary dystrophy, cerebellar ataxia and skeletal dysplasia; SHORT-RIB THORACIC DYSPLASIA 9 WITHOUT POLYDACTYLY; short-rib thoracic dysplasia 9 with or without polydactyly. Identifiers: Orphanet 140969, MedGen C1849437, MONDO:0009964, OMIM 266920.

Submission:

Labcorp Genetics (formerly Invitae), Labcorp
Classification: Pathogenic for Saldino-Mainzer syndrome. Last evaluated: 2025-04-16. Review status: criteria provided, single submitter. Criteria: Invitae Variant Classification Sherloc (09022015). Collection method: clinical testing. Allele origin: germline.
Comment: This sequence change creates a premature translational stop signal (p.Gln1105*) in the IFT140 gene. It is expected to result in an absent or disrupted protein product. Loss-of-function variants in IFT140 are known to be pathogenic (PMID: 22503633, 23418020, 24009529, 26216056). This variant is not present in population databases (gnomAD no frequency). This variant has not been reported in the literature in individuals affected with IFT140-related conditions. ClinVar contains an entry for this variant (Variation ID: 2003276). Algorithms developed to predict the effect of sequence changes on RNA splicing suggest that this variant may create or strengthen a splice site. For these reasons, this variant has been classified as Pathogenic.

Literature cited by the submitters: PubMed 22503633; PubMed 23418020; PubMed 24009529; PubMed 26216056.